The following is an entry in ClinVar:

ClinVar aggregate classification (germline): Uncertain significance (1 of 4 stars; one submission).

Conditions:
Inborn genetic diseases. Identifiers: MedGen C0950123, MeSH D030342.

Submission:

Ambry Genetics
Classification: Uncertain significance for Inborn genetic diseases. Last evaluated: 2016-10-12. Review status: criteria provided, single submitter. Criteria: Ambry Variant Classification Scheme 2023. Collection method: clinical testing. Allele origin: germline.
Comment: The p.G622S variant (also known as c.1864G>A), located in coding exon 1 of the PCDH19 gene, results from a G to A substitution at nucleotide position 1864. The glycine at codon 622 is replaced by serine, an amino acid with similar properties. This variant was not reported in population based cohorts in the following databases: Database of Single Nucleotide Polymorphisms (dbSNP), NHLBI Exome Sequencing Project (ESP), and 1000 Genomes Project. In the ESP, this variant was not observed in 6207 samples with coverage at this position. This amino acid position is highly conserved in available vertebrate species. In addition, this alteration is predicted to be deleterious by in silico analysis. Since supporting evidence is limited at this time, the clinical significance of this variant remains unclear.

Literature cited by the submitters: PubMed 28669061.

NM_001184880.2(PCDH19):c.1864G>A (p.Gly622Ser)

Gene: PCDH19 (protocadherin 19; minus strand). Cytogenetic location: Xq22.1.
Variant type: single nucleotide variant.
Coding change: c.1864G>A on transcript NM_001184880.2 (MANE Select); coding-DNA position 1864, G replaced by A.
Protein change: p.Gly622Ser; replaces glycine 622 with serine.
Molecular consequence: missense variant.
Genome position (GRCh38, 1-based): chrX:100,406,734, C>T on the plus strand (G>A on the coding strand, the complement: PCDH19 is on the minus strand). VCF-style: chrX-100406734-C-T. GRCh37 (hg19) VCF-style: chrX-99661732-C-T.
Other names: c.1864G>A, p.Gly622Ser (NM_001105243.2, NM_020766.3); short protein forms G622S.
Identifiers: ClinVar variation 589840 (VCV000589840.5), dbSNP rs1569314284, ClinGen allele CA414001797.